The following is an entry in ClinVar:

ClinVar aggregate classification (germline): Uncertain significance (1 of 4 stars; one submission).

Conditions:
Hereditary nonpolyposis colorectal neoplasms. Identifiers: MedGen C0009405, MeSH D003123.

Submission:

Labcorp Genetics (formerly Invitae), Labcorp
Classification: Uncertain significance for Hereditary nonpolyposis colorectal neoplasms. Last evaluated: 2025-10-18. Review status: criteria provided, single submitter. Criteria: Invitae Variant Classification Sherloc (09022015). Collection method: clinical testing. Allele origin: germline.
Comment: This sequence change disrupts the translational stop signal of the MSH6 mRNA. It is expected to extend the length of the MSH6 protein by 29 additional amino acid residues. This variant is not present in population databases (gnomAD no frequency). This variant has not been reported in the literature in individuals affected with MSH6-related conditions. ClinVar contains an entry for this variant (Variation ID: 455322). Experimental studies and prediction algorithms are not available or were not evaluated, and the functional significance of this variant is currently unknown. Algorithms developed to predict the effect of sequence changes on RNA splicing suggest that this variant may create or strengthen a splice site. In summary, the available evidence is currently insufficient to determine the role of this variant in disease. Therefore, it has been classified as a Variant of Uncertain Significance.

NM_000179.3(MSH6):c.4082A>T (p.Ter1361Leu)

Gene: MSH6 (mutS homolog 6; plus strand). Cytogenetic location: 2p16.3.
Variant type: single nucleotide variant.
Coding change: c.4082A>T on transcript NM_000179.3 (MANE Select); coding-DNA position 4082, A replaced by T.
Protein change: p.Ter1361Leu.
Molecular consequence: stop lost.
Genome position (GRCh38, 1-based): chr2:47,806,859, A>T. VCF-style: chr2-47806859-A-T. GRCh37 (hg19) VCF-style: chr2-48033998-A-T.
Other names: *1361L; *1059L; *1231L; c.3692A>T, p.Ter1231Leu (NM_001281492.2); c.3176A>T, p.Ter1059Leu (NM_001281493.2, NM_001281494.2).
Identifiers: ClinVar variation 455322 (VCV000455322.11), dbSNP rs907892681, ClinGen allele CA46720482.